The following is an entry in ClinVar:

ClinVar aggregate classification (germline): Conflicting classifications of pathogenicity. Review status: criteria provided, conflicting classifications (1 of 4 stars). 8 submissions from 8 submitters: Uncertain significance (2); Likely benign (6). Last evaluated 2025-12-08.

Conditions:
Hereditary cancer-predisposing syndrome. Also called: Hereditary neoplastic syndrome; Tumor predisposition; Neoplastic Syndromes, Hereditary; Hereditary Cancer Syndrome. Identifiers: Orphanet 140162, MedGen C0027672, MeSH D009386, MONDO:0015356.
Tuberous sclerosis syndrome (TSC). Also called: Tuberous sclerosis; Tuberous Sclerosis Complex. Identifiers: Orphanet 805, MedGen C0041341, MONDO:0001734.
Tuberous sclerosis 2 (TSC2). Identifiers: Orphanet 805, MedGen C1860707, MONDO:0013199, OMIM 613254.

Allele frequency attached by ClinVar (database versions not stated): gnomAD exomes below 0.00001 and 0.00002; ExAC 0.00002; gnomAD 0.00004; TOPMed 0.00004.
gnomAD v4.1: 12 of 1,612,500 alleles (0.00074%); highest among the groups gnomAD compares: African/African-American, 0.013%; no homozygotes.

Submissions (8):

Labcorp Genetics (formerly Invitae), Labcorp
Classification: Likely benign for Tuberous sclerosis 2. Last evaluated: 2025-12-08. Review status: criteria provided, single submitter. Criteria: Invitae Variant Classification Sherloc (09022015). Collection method: clinical testing. Allele origin: germline.

Women's Health and Genetics/Laboratory Corporation of America, LabCorp
Classification: Likely benign. Last evaluated: 2025-02-18. Review status: criteria provided, single submitter. Criteria: LabCorp Variant Classification Summary - May 2015. Collection method: clinical testing. Allele origin: germline.
Comment: Variant summary: TSC2 c.1303C>T (p.His435Tyr) results in a conservative amino acid change located in the ARM repeat domain (IPR016024) of the encoded protein sequence. Four of five in-silico tools predict a benign effect of the variant on protein function. The observed variant frequency within African or African-American control individuals in the gnomAD database is approximately 1.9-fold of the estimated maximal expected allele frequency for a pathogenic variant in TSC2 causing Tuberous Sclerosis Complex phenotype (6.9e-05), suggesting the variant may be benign. c.1303C>T has been reported in the literature in individuals affected with Medulloblastoma or with personal or family history of breast cancer, both without evidence of causality (e.g. Zhang_2015, McDonald_2022). These report(s) do not provide unequivocal conclusions about association of the variant with Tuberous Sclerosis Complex. To our knowledge, no experimental evidence demonstrating an impact on protein function has been reported. The following publications have been ascertained in the context of this evaluation (PMID: 36315513, 26580448). ClinVar contains an entry for this variant (Variation ID: 383175). Based on the evidence outlined above, the variant was classified as likely benign.

St. Jude Molecular Pathology, St. Jude Children's Research Hospital
Classification: Uncertain significance for Tuberous sclerosis 2. Last evaluated: 2025-02-05. Review status: criteria provided, single submitter. Criteria: St. Jude Assertion Criteria 2020. Collection method: clinical testing. Allele origin: germline.
Comment: The TSC2 c.1303C>T p.(His435Tyr) missense change has a maximum subpopulation frequency of 0.032% in gnomAD v2.1.1. The in silico tool REVEL is inconclusive about a pathogenic or benign effect of this variant on protein function, and functional studies have not been performed. To our knowledge, this variant has not been reported in individuals with tuberous sclerosis complex. In summary, the evidence currently available is insufficient to determine the clinical significance of this variant. It has therefore been classified as of uncertain significance.

Myriad Genetics, Inc.
Classification: Likely benign for Tuberous sclerosis 2. Last evaluated: 2024-08-08. Review status: criteria provided, single submitter. Criteria: Myriad Autosomal Dominant, Autosomal Recessive and X-Linked Classification Criteria (2023). Collection method: clinical testing. Allele origin: unknown.
Comment: This variant is considered likely benign. This variant has been observed at a population frequency that is significantly greater than expected given the associated disease prevalence and penetrance.

All of Us Research Program, National Institutes of Health
Classification: Uncertain significance for Tuberous sclerosis syndrome. Last evaluated: 2024-03-24. Review status: criteria provided, single submitter. Criteria: ACMG Guidelines, 2015. Collection method: clinical testing. Allele origin: germline. Inheritance: Autosomal dominant inheritance. Observed: 3 variant alleles, 3 heterozygotes.
Comment: This missense variant replaces histidine with tyrosine at codon 435 of the TSC2 protein. Computational prediction is inconclusive regarding the impact of this variant on protein structure and function (internally defined REVEL score threshold 0.5 < inconclusive < 0.7, PMID: 27666373). To our knowledge, functional studies have not been reported for this variant. This variant has not been reported in individuals affected with tuberous sclerosis complex in the literature. This variant has been identified in 5/247760 chromosomes in the general population by the Genome Aggregation Database (gnomAD). The available evidence is insufficient to determine the role of this variant in disease conclusively. Therefore, this variant is classified as a Variant of Uncertain Significance.

This study involves interpretation of variants in research participants for the purpose of population health screening. Participant phenotype was not available at the time of variant classification. Additional details can be found in publication PMID: 35346344, PMCID: PMC8962531

Ambry Genetics
Classification: Likely benign for Hereditary cancer-predisposing syndrome. Last evaluated: 2021-12-07. Review status: criteria provided, single submitter. Criteria: Ambry Variant Classification Scheme 2023. Collection method: clinical testing. Allele origin: germline.

Genome-Nilou Lab
Classification: Likely benign for Tuberous sclerosis 2. Last evaluated: 2021-11-07. Review status: criteria provided, single submitter. Criteria: ACMG Guidelines, 2015. Collection method: clinical testing. Allele origin: germline. Affected: no.

GeneDx
Classification: Likely benign. Last evaluated: 2016-09-09. Review status: criteria provided, single submitter. Criteria: GeneDx Variant Classification (06012015). Collection method: clinical testing. Allele origin: germline. Affected: yes.
Comment: This variant is considered likely benign or benign based on one or more of the following criteria: it is a conservative change, it occurs at a poorly conserved position in the protein, it is predicted to be benign by multiple in silico algorithms, and/or has population frequency not consistent with disease.

Literature cited by the submitters: PubMed 26580448 (cited by Women's Health and Genetics/Laboratory Corporation of America, LabCorp); PubMed 36315513 (cited by Women's Health and Genetics/Laboratory Corporation of America, LabCorp).

NM_000548.5(TSC2):c.1303C>T (p.His435Tyr)

Gene: TSC2 (TSC complex subunit 2; plus strand). Cytogenetic location: 16p13.3.
Variant type: single nucleotide variant.
Coding change: c.1303C>T on transcript NM_000548.5 (MANE Select); coding-DNA position 1303, C replaced by T.
Protein change: p.His435Tyr; replaces histidine 435 with tyrosine.
Molecular consequence: missense variant.
Genome position (GRCh38, 1-based): chr16:2,062,542, C>T. VCF-style: chr16-2062542-C-T. GRCh37 (hg19) VCF-style: chr16-2112543-C-T.
Other names: c.1303C>T, p.His435Tyr (NM_001077183.3, NM_001114382.3, NM_001363528.2 and 3 more transcripts); c.1192C>T, p.His398Tyr (NM_001318827.2); c.1156C>T, p.His386Tyr (NM_001318829.2); c.703C>T, p.His235Tyr (NM_001318831.2); c.1336C>T, p.His446Tyr (NM_001318832.2); short protein forms H435Y, H386Y, H398Y, H446Y, H235Y.
Identifiers: ClinVar variation 383175 (VCV000383175.22), dbSNP rs760896048, ClinGen allele CA029254.